The following is an entry in ClinVar:

ClinVar aggregate classification (germline): Conflicting classifications of pathogenicity. Review status: criteria provided, conflicting classifications (1 of 4 stars). 3 submissions from 3 submitters: Uncertain significance (1); Benign (1). 1 of the submissions does not count toward it. Last evaluated 2025-10-27.

Conditions:
KIF23-related disorder. Also called: KIF23-related condition.

Allele frequency attached by ClinVar (database versions not stated): gnomAD exomes 0.00030 and 0.00127; gnomAD 0.00046 and 0.00060; TOPMed 0.00068; ExAC 0.00117; 1000 Genomes Project 30x 0.00297; 1000 Genomes Project 0.00319.

Submissions (3):

Labcorp Genetics (formerly Invitae), Labcorp
Classification: Benign. Last evaluated: 2025-10-27. Review status: criteria provided, single submitter. Criteria: Invitae Variant Classification Sherloc (09022015). Collection method: clinical testing. Allele origin: germline.

Mayo Clinic Laboratories, Mayo Clinic
Classification: Uncertain significance. Last evaluated: 2020-03-10. Review status: criteria provided, single submitter. Criteria: ACMG Guidelines, 2015. Collection method: clinical testing. Allele origin: germline. Observed: 1 variant allele.

PreventionGenetics, part of Exact Sciences
Classification: Likely benign for KIF23-related condition. Last evaluated: 2019-03-22. Review status: no assertion criteria provided. Collection method: clinical testing. Allele origin: germline. Not counted in ClinVar's aggregate classification.
Comment: This variant is classified as likely benign based on ACMG/AMP sequence variant interpretation guidelines (Richards et al. 2015 PMID: 25741868, with internal and published modifications).

NM_001367805.3(KIF23):c.1265G>A (p.Arg422Gln)

Gene: KIF23 (kinesin family member 23; plus strand). Cytogenetic location: 15q23.
Variant type: single nucleotide variant.
Coding change: c.1265G>A on transcript NM_001367805.3 (MANE Select); coding-DNA position 1265, G replaced by A.
Protein change: p.Arg422Gln; replaces arginine 422 with glutamine.
Molecular consequence: missense variant. On other transcripts: non-coding transcript variant (2).
Genome position (GRCh38, 1-based): chr15:69,435,722, G>A. VCF-style: chr15-69435722-G-A. GRCh37 (hg19) VCF-style: chr15-69728061-G-A.
Other names: c.893G>A, p.Arg298Gln (NM_001281301.2); c.1223G>A, p.Arg408Gln (NM_001367804.2, NM_004856.7, NM_138555.4); short protein forms R422Q, R298Q, R408Q.
Identifiers: ClinVar variation 732195 (VCV000732195.16), dbSNP rs150307169, ClinGen allele CA7635129.